The following is an entry in ClinVar:

NM_001164508.2(NEB):c.21563G>A (p.Gly7188Asp)

Genes: NEB (nebulin; minus strand), RIF1 (replication timing regulatory factor 1; plus strand). Cytogenetic location: 2q23.3.
Variant type: single nucleotide variant.
Coding change: c.21563G>A on transcript NM_001164508.2 (MANE Select); coding-DNA position 21563, G replaced by A.
Protein change: p.Gly7188Asp; replaces glycine 7188 with aspartic acid.
Molecular consequence: missense variant.
Genome position (GRCh38, 1-based): chr2:151,531,061, C>T on the plus strand (G>A on the coding strand, the complement: NEB is on the minus strand). VCF-style: chr2-151531061-C-T. GRCh37 (hg19) VCF-style: chr2-152387575-C-T.
Other names: c.21563G>A, p.Gly7188Asp (NM_001164507.2); c.21668G>A, p.Gly7223Asp (NM_001271208.2); c.16460G>A, p.Gly5487Asp (NM_004543.5); short protein forms G5487D, G7188D, G7223D.
Identifiers: ClinVar variation 1956024 (VCV001956024.4), dbSNP rs760973264, ClinGen allele CA348770311.

ClinVar aggregate classification (germline): Uncertain significance (1 of 4 stars; one submission).

Conditions:
Nemaline myopathy 2 (NEM2). Also called: Nemaline myopathy 2, autosomal recessive. Identifiers: MedGen C1850569, MONDO:0009725, OMIM 256030.

Submission:

Labcorp Genetics (formerly Invitae), Labcorp
Classification: Uncertain significance for Nemaline myopathy 2. Last evaluated: 2024-07-29. Review status: criteria provided, single submitter. Criteria: Invitae Variant Classification Sherloc (09022015). Collection method: clinical testing. Allele origin: germline.
Comment: This sequence change replaces glycine, which is neutral and non-polar, with aspartic acid, which is acidic and polar, at codon 7223 of the NEB protein (p.Gly7223Asp). This variant is present in population databases (no rsID available, gnomAD 0.01%). This variant has not been reported in the literature in individuals affected with NEB-related conditions. ClinVar contains an entry for this variant (Variation ID: 1956024). Experimental studies and prediction algorithms are not available or were not evaluated, and the functional significance of this variant is currently unknown. In summary, the available evidence is currently insufficient to determine the role of this variant in disease. Therefore, it has been classified as a Variant of Uncertain Significance.